The following is an entry in ClinVar:

ClinVar aggregate classification (germline): Likely benign (1 of 4 stars; one submission).

Allele frequency attached by ClinVar (database versions not stated): gnomAD 0.00009; TOPMed 0.00010.
gnomAD v4.1: 107 of 1,601,644 alleles (0.0067%); highest among the groups gnomAD compares: East Asian, 0.013%; no homozygotes.

Submission:

CeGaT Center for Human Genetics Tuebingen
Classification: Likely benign. Last evaluated: 2025-11-01. Review status: criteria provided, single submitter. Criteria: CeGaT Center For Human Genetics Tuebingen Variant Classification Criteria Version 2. Collection method: clinical testing. Allele origin: germline. Affected: yes. Observed: 2 variant alleles.
Comment: SPI1: BP4, BP7

NM_003120.3(SPI1):c.186C>T (p.Phe62=)

Gene: SPI1 (Spi-1 proto-oncogene; minus strand). Cytogenetic location: 11p11.2.
Variant type: single nucleotide variant.
Coding change: c.186C>T on transcript NM_003120.3 (MANE Select); coding-DNA position 186, C replaced by T.
Protein change: p.Phe62=; no amino-acid change (phenylalanine 62 retained).
Molecular consequence: synonymous variant.
Genome position (GRCh38, 1-based): chr11:47,359,997, G>A on the plus strand (C>T on the coding strand, the complement: SPI1 is on the minus strand). VCF-style: chr11-47359997-G-A. GRCh37 (hg19) VCF-style: chr11-47381548-G-A.
Other names: c.189C>T, p.Phe63= (NM_001080547.2).
Identifiers: ClinVar variation 3239082 (VCV003239082.19), dbSNP rs368215281.
Genomic context (GRCh38, chr11:47,359,997, plus strand): 5'-CTGCAGCTGCGGGGGCTGCACGCTCTGGAGCTCCGTGAAGTTGTTCTCGGCGAAGCTCTC[G>A]AACTCGCTGTGCACGTGGTGGGGGTGGAAGTCCCAGTAATGGTCTGTGGGGGACAGCCAG-3'
Protein context (NP_003111.2, residues 52-72): DFHPHHVHSE[Phe62=]ESFAENNFTE